The following is an entry in ClinVar:

ClinVar aggregate classification (germline): Uncertain significance (1 of 4 stars; one submission).

Conditions:
Medium-chain acyl-coenzyme A dehydrogenase deficiency (ACADMD). Also called: ACADM DEFICIENCY; CARNITINE DEFICIENCY SECONDARY TO MEDIUM-CHAIN ACYL-CoA DEHYDROGENASE DEFICIENCY; MCADH DEFICIENCY; MCADD; Medium chain acyl-CoA dehydrogenase deficiency; MCAD Deficiency. Identifiers: Orphanet 42, MedGen C0220710, MONDO:0008721, OMIM 201450.

Submission:

Centro de Biología Molecular Severo Ochoa, Universidad Autónoma de Madrid
Classification: Uncertain significance for Medium-chain acyl-coenzyme A dehydrogenase deficiency. Last evaluated: 2025-11-10. Review status: criteria provided, single submitter. Criteria: ACMG Guidelines, 2015. Collection method: clinical testing. Allele origin: unknown. Inheritance: Autosomal recessive inheritance. Affected: yes.
Comment: This variant meets criteria to be classified as VUS based on the ACMG/AMP criteria applied: PM2.

NM_000016.5(ACADM):c.-440T>C

Gene: ACADM (acyl-CoA dehydrogenase medium chain; plus strand). Cytogenetic location: 1p31.1.
Variant type: single nucleotide variant.
Coding change: c.-440T>C on transcript NM_000016.5; 440 bases upstream of the start codon, T replaced by C.
Genome position (GRCh38, 1-based): chr1:75,724,348, T>C. VCF-style: chr1-75724348-T-C. GRCh37 (hg19) VCF-style: chr1-76190033-T-C.
Identifiers: ClinVar variation 4529482 (VCV004529482.1).
Genomic context (GRCh38, chr1:75,724,348, plus strand): 5'-ACCACGGGGGCCGCTCTCCCTCCAGGCCCCAGCCACGCCCTCTAACCCAGGTTCCCGTCC[T>C]GCACCGCGCCGCAAGTCCCCCCACCGTTCAGCGCAACCGGGCCCTCCCAGCCCCGCCGCC-3'